The following is an entry in ClinVar:

ClinVar aggregate classification (germline): Uncertain significance (1 of 4 stars; one submission).

Conditions:
Primary dilated cardiomyopathy (DCM). Also called: Dilated Cardiomyopathy. Identifiers: Orphanet 217604, MedGen C0007193, MeSH D002311, MONDO:0005021, HP:0001644. Inheritance: Various modes of inheritance.

gnomAD v4.1: 5 of 1,611,456 alleles (0.00031%); highest among the groups gnomAD compares: South Asian, 0.0033%; no homozygotes.

Submission:

Labcorp Genetics (formerly Invitae), Labcorp
Classification: Uncertain significance for Primary dilated cardiomyopathy. Last evaluated: 2019-02-14. Review status: criteria provided, single submitter. Criteria: Invitae Variant Classification Sherloc (09022015). Collection method: clinical testing. Allele origin: germline.
Comment: This sequence change replaces leucine with valine at codon 763 of the NEBL protein (p.Leu763Val). The leucine residue is moderately conserved and there is a small physicochemical difference between leucine and valine. In summary, this variant is a novel missense change that is not predicted to affect protein function. There is no indication that it causes disease, but the available evidence is currently insufficient to prove that conclusively. Therefore, it has been classified as a Variant of Uncertain Significance. Algorithms developed to predict the effect of missense changes on protein structure and function (SIFT, PolyPhen-2, Align-GVGD) all suggest that this variant is likely to be tolerated, but these predictions have not been confirmed by published functional studies. This variant is not present in population databases (ExAC no frequency) and has not been reported in the literature in individuals with a NEBL-related disease.

NM_006393.3(NEBL):c.2287C>G (p.Leu763Val)

Gene: NEBL (nebulette; minus strand). Cytogenetic location: 10p12.31.
Variant type: single nucleotide variant.
Coding change: c.2287C>G on transcript NM_006393.3 (MANE Select); coding-DNA position 2287, C replaced by G.
Protein change: p.Leu763Val; replaces leucine 763 with valine.
Molecular consequence: missense variant. On other transcripts: intron variant (9).
Genome position (GRCh38, 1-based): chr10:20,813,998, G>C on the plus strand (C>G on the coding strand, the complement: NEBL is on the minus strand). VCF-style: chr10-20813998-G-C. GRCh37 (hg19) VCF-style: chr10-21102927-G-C.
Other names: c.250-1058C>G (NM_001377326.1, NM_001377327.1, NM_001377328.1); c.358-1058C>G (NM_213569.2, NM_001173484.2, NM_001377322.1); c.301-1058C>G (NM_001377324.1); c.292-1058C>G (NM_001377325.1); c.310-1058C>G (NM_001377323.1); short protein forms L763V.
Identifiers: ClinVar variation 412257 (VCV000412257.11), dbSNP rs768389033, ClinGen allele CA16613038.